The following is an entry in ClinVar:

ClinVar aggregate classification (germline): Pathogenic (1 of 4 stars; one submission).

Conditions:
Multiple acyl-CoA dehydrogenase deficiency (MADD). Also called: Glutaric Acidemia type 2; ETHYLMALONIC-ADIPICACIDURIA; GA II; Glutaric aciduria, type 2; Glutaric acidemia type II; GA 2. Identifiers: Orphanet 26791, MedGen C0268596, MONDO:0009282, OMIM 231680.

Submission:

Labcorp Genetics (formerly Invitae), Labcorp
Classification: Pathogenic for Multiple acyl-CoA dehydrogenase deficiency. Last evaluated: 2022-06-22. Review status: criteria provided, single submitter. Criteria: Invitae Variant Classification Sherloc (09022015). Collection method: clinical testing. Allele origin: germline.
Comment: For these reasons, this variant has been classified as Pathogenic. Algorithms developed to predict the effect of sequence changes on RNA splicing suggest that this variant may create or strengthen a splice site. This variant has not been reported in the literature in individuals affected with ETFA-related conditions. This variant is not present in population databases (gnomAD no frequency). This sequence change creates a premature translational stop signal (p.Cys155Metfs*6) in the ETFA gene. It is expected to result in an absent or disrupted protein product. Loss-of-function variants in ETFA are known to be pathogenic (PMID: 16510302, 23785301).

Literature cited by the submitters: PubMed 16510302; PubMed 23785301.

NM_000126.4(ETFA):c.461dup (p.Cys155fs)

Gene: ETFA (electron transfer flavoprotein subunit alpha; minus strand). Cytogenetic location: 15q24.2.
Variant type: Duplication.
Coding change: c.461dup on transcript NM_000126.4 (MANE Select); coding-DNA position 461, one base duplicated (T; older notation c.461dupT).
Protein change: p.Cys155fs; shifts the reading frame from cysteine 155.
Molecular consequence: frameshift variant.
Genome position (GRCh38, 1-based): chr15:76,286,472, A duplicated on the plus strand (T on the coding strand, the reverse complement: ETFA is on the minus strand). VCF-style (leftmost placement, unchanged base first): chr15-76286471-T-TA. GRCh37 (hg19) VCF-style: chr15-76578812-T-TA.
Other names: c.314dup, p.Cys106fs (NM_001127716.2); short protein forms C155fs, C106fs.
Identifiers: ClinVar variation 2007565 (VCV002007565.4), dbSNP rs2543023661, ClinGen allele CA2580090016.